The following is an entry in ClinVar:

NM_001080779.2(MYO1C):c.2802G>A (p.Lys934=)

Gene: MYO1C (myosin IC; minus strand). Cytogenetic location: 17p13.3.
Variant type: single nucleotide variant.
Coding change: c.2802G>A on transcript NM_001080779.2 (MANE Select); coding-DNA position 2802, G replaced by A.
Protein change: p.Lys934=; no amino-acid change (lysine 934 retained).
Molecular consequence: synonymous variant.
Genome position (GRCh38, 1-based): chr17:1,468,082, C>T on the plus strand (G>A on the coding strand, the complement: MYO1C is on the minus strand). VCF-style: chr17-1468082-C-T. GRCh37 (hg19) VCF-style: chr17-1371376-C-T.
Other names: c.2745G>A, p.Lys915= (NM_001080950.2); c.2730G>A, p.Lys910= (NM_001363855.1); c.2697G>A, p.Lys899= (NM_033375.5).
Identifiers: ClinVar variation 508143 (VCV000508143.2), dbSNP rs45598333, ClinGen allele CA8266821.
Genomic context (GRCh38, chr17:1,468,082, plus strand): 5'-TTTGGCGTCCTCCACGATGACGACGGCGTTGGGCGTGAGCAGCAGCTGCCGGGAGCGAGG[C>T]TTGTAGCCCTTGCGGTCGTATTTCACAACAGGCACCGCATACTGGGGACAGAGGCCAGGC-3'
Protein context (NP_001074248.1, residues 924-944): PVVKYDRKGY[Lys934=]PRSRQLLLTP

ClinVar aggregate classification (germline): Likely benign. Review status: criteria provided, multiple submitters, no conflicts (2 of 4 stars). 2 submissions from 2 submitters: Likely benign (2). Last evaluated 2018-02-27.

Allele frequency attached by ClinVar (database versions not stated): 1000 Genomes Project 0.00539; 1000 Genomes Project 30x 0.00562; ExAC 0.01687; gnomAD 0.01688 and 0.01720; TOPMed 0.01708; gnomAD exomes 0.01711; ESP Exome Variant Server 0.02076.
gnomAD v4.1: 42,477 of 1,613,492 alleles (2.6%); highest among the groups gnomAD compares: Non-Finnish European, 3.2%; 682 homozygotes.

Submissions (2):

GeneDx
Classification: Likely benign. Last evaluated: 2018-02-27. Review status: criteria provided, single submitter. Criteria: GeneDx Variant Classification (06012015). Collection method: clinical testing. Allele origin: germline. Affected: yes.
Comment: This variant is considered likely benign or benign based on one or more of the following criteria: it is a conservative change, it occurs at a poorly conserved position in the protein, it is predicted to be benign by multiple in silico algorithms, and/or has population frequency not consistent with disease.

Breakthrough Genomics
Classification: Likely benign. Review status: criteria provided, single submitter. Criteria: ACMG Guidelines, 2015. Collection method: not provided. Allele origin: germline. Inheritance: Unknown mechanism. Affected: yes.